The following is an entry in ClinVar:

ClinVar aggregate classification (germline): Pathogenic (1 of 4 stars; one submission).

Conditions:
Muscular dystrophy-dystroglycanopathy (congenital with brain and eye anomalies), type a, 11 (MDDGA11). Also called: WALKER-WARBURG SYNDROME OR MUSCLE-EYE-BRAIN DISEASE, B3GALNT2-RELATED; Congenital muscular dystrophy-dystroglycanopathy with brain and eye anomalies, type A11; Muscular dystrophy-dystroglycanopathy (congenital with brain and eye anomalies, type A, 11. Identifiers: Orphanet 588, Orphanet 899, MedGen C3554638, MONDO:0014071, OMIM 615181.

gnomAD v4.1: 40 of 1,611,182 alleles (0.0025%); highest among the groups gnomAD compares: Non-Finnish European, 0.0034%; no homozygotes.

Submission:

Women's Health and Genetics/Laboratory Corporation of America, LabCorp
Classification: Pathogenic for Muscular dystrophy-dystroglycanopathy (congenital with brain and eye anomalies), type a, 11. Last evaluated: 2024-09-27. Review status: criteria provided, single submitter. Criteria: LabCorp Variant Classification Summary - May 2015. Collection method: clinical testing. Allele origin: germline.
Comment: Variant summary: B3GALNT2 c.1315G>T (p.Glu439X) results in a premature termination codon, predicted to cause a truncation of the encoded protein or absence of the protein due to nonsense mediated decay, which are commonly known mechanisms for disease. The variant was absent in 251390 control chromosomes. To our knowledge, no occurrence of c.1315G>T in individuals affected with Muscular Dystrophy-Dystroglycanopathy (congenital With Brain And Eye Anomalies), Type A, 11 and no experimental evidence demonstrating its impact on protein function have been reported. No submitters have cited clinical-significance assessments for this variant to ClinVar. Based on the evidence outlined above, the variant was classified as pathogenic.

NM_152490.5(B3GALNT2):c.1315G>T (p.Glu439Ter)

Gene: B3GALNT2 (beta-1,3-N-acetylgalactosaminyltransferase 2; minus strand). Cytogenetic location: 1q42.3.
Variant type: single nucleotide variant.
Coding change: c.1315G>T on transcript NM_152490.5 (MANE Select); coding-DNA position 1315, G replaced by T.
Protein change: p.Glu439Ter; replaces glutamic acid 439 with a stop codon.
Molecular consequence: nonsense.
Genome position (GRCh38, 1-based): chr1:235,453,143, C>A on the plus strand (G>T on the coding strand, the complement: B3GALNT2 is on the minus strand). VCF-style: chr1-235453143-C-A. GRCh37 (hg19) VCF-style: chr1-235616455-C-A.
Other names: short protein forms E439*.
Identifiers: ClinVar variation 3375162 (VCV003375162.1).